The following is an entry in ClinVar:

ClinVar aggregate classification (germline): Conflicting classifications of pathogenicity. Review status: criteria provided, conflicting classifications (1 of 4 stars). 6 submissions from 6 submitters: Pathogenic (2); Likely pathogenic (2); Uncertain significance (2). Last evaluated 2022-11-11.

Conditions:
Neurodevelopmental disorder. Identifiers: MedGen C1535926, MeSH D065886, MONDO:0700092.
Inborn genetic diseases. Identifiers: MedGen C0950123, MeSH D030342.
Chromosome 2q32-q33 deletion syndrome (GLASS). Also called: 2q33.1 deletion syndrome; Glass syndrome. Identifiers: Orphanet 251019, MedGen C2676739, MONDO:0012864, OMIM 612313.

Allele frequency attached by ClinVar (database versions not stated): gnomAD exomes below 0.00001.

Submissions (6):

GeneDx
Classification: Pathogenic. Last evaluated: 2022-11-11. Review status: criteria provided, single submitter. Criteria: GeneDx Variant Classification Process June 2021. Collection method: clinical testing. Allele origin: germline. Affected: yes.
Comment: Not observed at significant frequency in large population cohorts (gnomAD); In silico analysis, which includes protein predictors and evolutionary conservation, supports a deleterious effect; This variant is associated with the following publications: (PMID: 33004838, 34660482, 31302918)

Centre of Medical Genetics, University Hospital Muenster
Classification: Uncertain significance. Last evaluated: 2022-09-30. Review status: criteria provided, single submitter. Criteria: ACMG Guidelines, 2015. Collection method: clinical testing. Allele origin: unknown. Affected: yes. Observed: 1 variant allele, 1 heterozygote.
Comment: ACMG categories: PM2,PP3

Labcorp Genetics (formerly Invitae), Labcorp
Classification: Likely pathogenic for Chromosome 2q32-q33 deletion syndrome. Last evaluated: 2022-09-19. Review status: criteria provided, single submitter. Criteria: Invitae Variant Classification Sherloc (09022015). Collection method: clinical testing. Allele origin: germline.
Comment: In summary, the currently available evidence indicates that the variant is pathogenic, but additional data are needed to prove that conclusively. Therefore, this variant has been classified as Likely Pathogenic. This variant disrupts the p.Arg389 amino acid residue in SATB2. Other variant(s) that disrupt this residue have been determined to be pathogenic (PMID: 24884844, 28151491; Invitae). This suggests that this residue is clinically significant, and that variants that disrupt this residue are likely to be disease-causing. Advanced modeling of protein sequence and biophysical properties (such as structural, functional, and spatial information, amino acid conservation, physicochemical variation, residue mobility, and thermodynamic stability) has been performed at Invitae for this missense variant, however the output from this modeling did not meet the statistical confidence thresholds required to predict the impact of this variant on SATB2 protein function. This missense change has been observed in individual(s) with Glass syndrome (PMID: 31302918). In at least one individual the variant was observed to be de novo. This variant is not present in population databases (gnomAD no frequency). This sequence change replaces arginine, which is basic and polar, with histidine, which is basic and polar, at codon 389 of the SATB2 protein (p.Arg389His).

Laboratory of Molecular Genetics (Pr. Bezieau's lab), CHU de Nantes
Classification: Likely pathogenic for Neurodevelopmental disorder. Last evaluated: 2022-09-05. Review status: criteria provided, single submitter. Criteria: ACMG Guidelines, 2015. Collection method: clinical testing. Allele origin: germline. Affected: yes.

Victorian Clinical Genetics Services, Murdoch Childrens Research Institute
Classification: Pathogenic for Chromosome 2q32-q33 deletion syndrome. Last evaluated: 2022-02-02. Review status: criteria provided, single submitter. Criteria: ACMG Guidelines, 2015. Collection method: clinical testing. Allele origin: germline. Inheritance: Autosomal dominant inheritance. Affected: yes.
Comment: Based on the classification scheme VCGS_Germline_v1.3.4, this variant is classified as Pathogenic. Following criteria are met: 0102 - Loss of function is a known mechanism of disease in this gene and is associated with Glass syndrome (MIM#612313). (I) 0107 - This gene is associated with autosomal dominant disease. (I) 0200 - Variant is predicted to result in a missense amino acid change from arginine to histidine. (I) 0251 - This variant is heterozygous. (I) 0301 - Variant is absent from gnomAD (both v2 and v3). (SP) 0502 - Missense variant with conflicting in silico predictions and high conservation. (I) 0602 - Variant is located in a hotspot region or cluster of pathogenic variants. The variant is located in the center region of CUT1 domain where previously reported pathogenic variants clustered (PMID: 28151491, DECIPHER). (SP) 0701 - Other missense variants comparable to the one identified in this case have very strong previous evidence for pathogenicity. p.(Arg389Cys) and p.(Arg389Leu) have been reported in many individuals with SATB2-related neurodevelopmental disorder (PMIDs: 31021519, 28151491, ClinVar). (SP) 0802 - This variant has moderate previous evidence of pathogenicity in unrelated individuals. It has been reported as de novo in two individuals with global developmental delay or Glass syndrome (DECIPHER, PMID: 31302918). (SP) Legend: (SP) - Supporting pathogenic, (I) - Information, (SB) - Supporting benign

Ambry Genetics
Classification: Uncertain significance for Inborn genetic diseases. Last evaluated: 2021-06-30. Review status: criteria provided, single submitter. Criteria: Ambry Variant Classification Scheme 2023. Collection method: clinical testing. Allele origin: germline.

Literature cited by the submitters: PubMed 24884844 (cited by Labcorp Genetics (formerly Invitae), Labcorp); PubMed 28151491 (cited by Labcorp Genetics (formerly Invitae), Labcorp and Victorian Clinical Genetics Services, Murdoch Childrens Research Institute); PubMed 31302918 (cited by Labcorp Genetics (formerly Invitae), Labcorp and Victorian Clinical Genetics Services, Murdoch Childrens Research Institute); PubMed 31021519 (cited by Victorian Clinical Genetics Services, Murdoch Childrens Research Institute).

NM_001172509.2(SATB2):c.1166G>A (p.Arg389His)

Gene: SATB2 (SATB homeobox 2; minus strand). Cytogenetic location: 2q33.1.
Variant type: single nucleotide variant.
Coding change: c.1166G>A on transcript NM_001172509.2 (MANE Select); coding-DNA position 1166, G replaced by A.
Protein change: p.Arg389His; replaces arginine 389 with histidine.
Molecular consequence: missense variant.
Genome position (GRCh38, 1-based): chr2:199,348,708, C>T on the plus strand (G>A on the coding strand, the complement: SATB2 is on the minus strand). VCF-style: chr2-199348708-C-T. GRCh37 (hg19) VCF-style: chr2-200213431-C-T.
Other names: c.1166G>A, p.Arg389His (NM_001172517.1, NM_015265.4); short protein forms R389H.
Identifiers: ClinVar variation 1723662 (VCV001723662.12), dbSNP rs1247886882, ClinGen allele CA350387027.